The following is an entry in ClinVar:

NM_000057.4(BLM):c.3368G>A (p.Ser1123Asn)

Gene: BLM (BLM RecQ like helicase; plus strand). Cytogenetic location: 15q26.1.
Variant type: single nucleotide variant.
Coding change: c.3368G>A on transcript NM_000057.4 (MANE Select); coding-DNA position 3368, G replaced by A.
Protein change: p.Ser1123Asn; replaces serine 1123 with asparagine.
Molecular consequence: missense variant. On other transcripts: intron variant (1).
Genome position (GRCh38, 1-based): chr15:90,803,530, G>A. VCF-style: chr15-90803530-G-A. GRCh37 (hg19) VCF-style: chr15-91346760-G-A.
Other names: c.3368G>A, p.Ser1123Asn (NM_001287246.2); c.2243G>A, p.Ser748Asn (NM_001287248.2); c.3358+5193G>A (NM_001287247.2); short protein forms S1123N, S748N.
Identifiers: ClinVar variation 3572336 (VCV003572336.2).
Genomic context (GRCh38, chr15:90,803,530, plus strand): 5'-GTGATGATATACGTACATTTACTCATCTTACTTCCTGTATCTTCTTATCAGGGAGTAAGA[G>A]TGCAAAAATCCAGTCAGGTATATTTGGAAAAGGATCTGCTTATTCACGACACAATGCCGA-3'
Protein context (NP_000048.1, residues 1113-1133): MLVDIFLGSK[Ser1123Asn]AKIQSGIFGK

ClinVar aggregate classification (germline): Uncertain significance (1 of 4 stars; one submission).

Submission:

Quest Diagnostics Nichols Institute San Juan Capistrano
Classification: Uncertain significance. Last evaluated: 2024-12-05. Review status: criteria provided, single submitter. Criteria: Quest Diagnostics criteria. Collection method: clinical testing. Allele origin: unknown.
Comment: The BLM c.3368G>A (p.Ser1123Asn) variant has not been reported in individuals with BLM-related conditions in the published literature. It also has not been reported in large, multi-ethnic general populations (Genome Aggregation Database). Analysis of this variant using bioinformatics tools for the prediction of the effect of amino acid changes on protein structure and function yielded predictions that this variant is benign. Based on the available information, we are unable to determine the clinical significance of this variant.